The following is an entry in ClinVar:

NM_018929.3(PCDHGC5):c.2121C>A (p.Val707=)

Genes: PCDHGB4 (protocadherin gamma subfamily B, 4; plus strand), PCDHGB5 (protocadherin gamma subfamily B, 5; plus strand), PCDHGC5 (protocadherin gamma subfamily C, 5; plus strand), PCDHGB6 (protocadherin gamma subfamily B, 6; plus strand), PCDHGB7 (protocadherin gamma subfamily B, 7; plus strand) and 18 more. Cytogenetic location: 5q31.3.
Variant type: single nucleotide variant.
Coding change: c.2121C>A on transcript NM_018929.3 (MANE Select); coding-DNA position 2121, C replaced by A.
Protein change: p.Val707=; no amino-acid change (valine 707 retained).
Molecular consequence: synonymous variant. On other transcripts: intron variant (24).
Genome position (GRCh38, 1-based): chr5:141,491,361, C>A. VCF-style: chr5-141491361-C-A. GRCh37 (hg19) VCF-style: chr5-140870928-C-A.
Other names: c.2425-3446C>A (NM_018915.4, NM_018916.4, NM_018919.3 and 4 more transcripts); c.2410-3446C>A (NM_018922.3); c.2515-3446C>A (NM_018917.4); c.2422-3446C>A (NM_018923.3, NM_018918.3, NM_018912.3); c.2416-3446C>A (NM_018924.5, NM_018927.4); c.2398-3446C>A (NM_003736.4, NM_018925.3); c.2419-3446C>A (NM_018926.3); c.2437-3446C>A (NM_018913.3); and 7 more.
Identifiers: ClinVar variation 729017 (VCV000729017.9), dbSNP rs71583649, ClinGen allele CA3478420.
Genomic context (GRCh38, chr5:141,491,361, plus strand): 5'-TTCAGACCTTACCCTTTACCTCATTGTGGCTCTAGCGACCGTCAGTCTCTTATCCCTAGT[C>A]ACCTTCACCTTTCTGTCAGCGAAGTGCCTTCAGGGAAACGCAGACGGGGACGGGGGTGGA-3'
Protein context (NP_061752.1, residues 697-717): ALATVSLLSL[Val707=]TFTFLSAKCL

ClinVar aggregate classification (germline): Benign/Likely benign. Review status: criteria provided, multiple submitters, no conflicts (2 of 4 stars). 2 submissions from 2 submitters: Benign (1); Likely benign (1). Last evaluated 2026-05-01.

Allele frequency attached by ClinVar (database versions not stated): ESP Exome Variant Server 0.00100; ExAC 0.00105; gnomAD exomes 0.00133; gnomAD 0.00180 and 0.00188; TOPMed 0.00212; 1000 Genomes Project 30x 0.00234; 1000 Genomes Project 0.00240.
gnomAD v4.1: 1,614 of 1,614,132 alleles (0.1%); highest among the groups gnomAD compares: Middle Eastern, 0.51%; 5 homozygotes.

Submissions (2):

CeGaT Center for Human Genetics Tuebingen
Classification: Likely benign. Last evaluated: 2026-05-01. Review status: criteria provided, single submitter. Criteria: CeGaT Center For Human Genetics Tuebingen Variant Classification Criteria Version 2. Collection method: clinical testing. Allele origin: germline. Affected: yes. Observed: 2 variant alleles.
Comment: PCDHGC5: BP4, BP7

Labcorp Genetics (formerly Invitae), Labcorp
Classification: Benign. Last evaluated: 2017-11-16. Review status: criteria provided, single submitter. Criteria: Invitae Variant Classification Sherloc (09022015). Collection method: clinical testing. Allele origin: germline.